The following is an entry in ClinVar:

NM_177438.3(DICER1):c.3813C>T (p.Leu1271=)

Gene: DICER1 (dicer 1, ribonuclease III; minus strand). Cytogenetic location: 14q32.13.
Variant type: single nucleotide variant.
Coding change: c.3813C>T on transcript NM_177438.3 (MANE Select); coding-DNA position 3813, C replaced by T.
Protein change: p.Leu1271=; no amino-acid change (leucine 1271 retained).
Molecular consequence: synonymous variant.
Genome position (GRCh38, 1-based): chr14:95,103,583, G>A on the plus strand (C>T on the coding strand, the complement: DICER1 is on the minus strand). VCF-style: chr14-95103583-G-A. GRCh37 (hg19) VCF-style: chr14-95569920-G-A.
Other names: c.3813C>T, p.Leu1271= (NM_001195573.1, NM_001271282.3, NM_001291628.2 and 1 more transcripts).
Identifiers: ClinVar variation 706595 (VCV000706595.15), dbSNP rs749213556, ClinGen allele CA7330986.

ClinVar aggregate classification (germline): Benign/Likely benign. Review status: criteria provided, multiple submitters, no conflicts (2 of 4 stars). 3 submissions from 3 submitters: Benign (1); Likely benign (2). Last evaluated 2026-08-18.

Conditions:
DICER1-related tumor predisposition. Also called: DICER1 syndrome; DICER1-related pleuropulmonary blastoma cancer predisposition syndrome. Identifiers: Orphanet 284343, MedGen C3839822, MONDO:0100216.
Hereditary cancer-predisposing syndrome. Also called: Hereditary neoplastic syndrome; Neoplastic Syndromes, Hereditary; Tumor predisposition; Hereditary Cancer Syndrome. Identifiers: Orphanet 140162, MedGen C0027672, MeSH D009386, MONDO:0015356.

Allele frequency attached by ClinVar (database versions not stated): gnomAD 0.00001; gnomAD exomes below 0.00001 and 0.00002; TOPMed below 0.00001; ExAC 0.00001.
gnomAD v4.1: 8 of 1,614,074 alleles (0.0005%); highest among the groups gnomAD compares: East Asian, 0.011%; no homozygotes.

Submissions (3):

Myriad Genetics, Inc.
Classification: Benign for DICER1-related tumor predisposition. Last evaluated: 2026-08-18. Review status: criteria provided, single submitter. Criteria: Myriad Autosomal Dominant, Autosomal Recessive and X-Linked Classification Criteria (2023). Collection method: clinical testing. Allele origin: unknown.
Comment: This variant is considered benign. This variant is a silent/synonymous amino acid change and it is not expected to impact splicing.

Labcorp Genetics (formerly Invitae), Labcorp
Classification: Likely benign for DICER1-related tumor predisposition. Last evaluated: 2026-01-26. Review status: criteria provided, single submitter. Criteria: Invitae Variant Classification Sherloc (09022015). Collection method: clinical testing. Allele origin: germline.

Ambry Genetics
Classification: Likely benign for Hereditary cancer-predisposing syndrome. Last evaluated: 2021-01-06. Review status: criteria provided, single submitter. Criteria: Ambry Variant Classification Scheme 2023. Collection method: clinical testing. Allele origin: germline.